The following is an entry in ClinVar:

NM_016284.5(CNOT1):c.1916A>G (p.Lys639Arg)

Gene: CNOT1 (CCR4-NOT transcription complex subunit 1; minus strand). Cytogenetic location: 16q21.
Variant type: single nucleotide variant.
Coding change: c.1916A>G on transcript NM_016284.5 (MANE Select); coding-DNA position 1916, A replaced by G.
Protein change: p.Lys639Arg; replaces lysine 639 with arginine.
Molecular consequence: missense variant. On other transcripts: non-coding transcript variant (1).
Genome position (GRCh38, 1-based): chr16:58,574,672, T>C on the plus strand (A>G on the coding strand, the complement: CNOT1 is on the minus strand). VCF-style: chr16-58574672-T-C. GRCh37 (hg19) VCF-style: chr16-58608576-T-C.
Other names: c.1916A>G, p.Lys639Arg (NM_001265612.2, NM_206999.3); c.1916A>G (NM_016284.3); short protein forms K639R.
Identifiers: ClinVar variation 1703181 (VCV001703181.4), dbSNP rs762898519, ClinGen allele CA8089812.

ClinVar aggregate classification (germline): Uncertain significance. Review status: criteria provided, multiple submitters, no conflicts (2 of 4 stars). 2 submissions from 2 submitters: Uncertain significance (2). Last evaluated 2025-04-04.

Conditions:
Inborn genetic diseases. Identifiers: MedGen C0950123, MeSH D030342.

Allele frequency attached by ClinVar (database versions not stated): ExAC 0.00002; gnomAD 0.00003; TOPMed 0.00003; gnomAD exomes 0.00007.
gnomAD v4.1: 101 of 1,609,838 alleles (0.0063%); highest among the groups gnomAD compares: Non-Finnish European, 0.0084%; no homozygotes.

Submissions (2):

Ambry Genetics
Classification: Uncertain significance for Inborn genetic diseases. Last evaluated: 2025-04-04. Review status: criteria provided, single submitter. Criteria: Ambry Variant Classification Scheme 2023. Collection method: clinical testing. Allele origin: germline.

Greenwood Genetic Center Diagnostic Laboratories, Greenwood Genetic Center
Classification: Uncertain significance. Last evaluated: 2022-05-04. Review status: criteria provided, single submitter. Criteria: ACMG Guidelines, 2015. Collection method: clinical testing. Allele origin: germline. Affected: yes.
Comment: PP2, PP3